The following is an entry in ClinVar:

NM_000138.5(FBN1):c.6423del (p.Gln2141fs)

Gene: FBN1 (fibrillin 1; minus strand). Cytogenetic location: 15q21.1.
Variant type: Deletion.
Coding change: c.6423del on transcript NM_000138.5 (MANE Select); coding-DNA position 6423, one base deleted (G; older notation c.6423delG).
Protein change: p.Gln2141fs; shifts the reading frame from glutamine 2141.
Molecular consequence: frameshift variant.
Genome position (GRCh38, 1-based): chr15:48,437,034, C deleted on the plus strand (G on the coding strand, the reverse complement: FBN1 is on the minus strand). VCF-style (leftmost placement, unchanged base first): chr15-48437033-AC-A. GRCh37 (hg19) VCF-style: chr15-48729230-AC-A.
Other names: short protein forms Q2141fs.
Identifiers: ClinVar variation 1389880 (VCV001389880.6), dbSNP rs2141240428, ClinGen allele CA2573150928.

ClinVar aggregate classification (germline): Pathogenic (1 of 4 stars; one submission).

Conditions:
Marfan syndrome (MFS). Also called: Marfan syndrome type 1; Marfan's syndrome; FBN1-Related Marfan Syndrome; MARFAN SYNDROME, TYPE I; Marfan syndrome, classic. Identifiers: Orphanet 284963, Orphanet 558, MedGen C0024796, MONDO:0007947, OMIM 154700.
Familial thoracic aortic aneurysm and aortic dissection (TAAD). Also called: Thoracic aortic aneurysms and dissections. Identifiers: Orphanet 91387, MedGen C4707243, MONDO:0019625.

Submission:

Labcorp Genetics (formerly Invitae), Labcorp
Classification: Pathogenic for Marfan syndrome; Familial thoracic aortic aneurysm and aortic dissection. Last evaluated: 2023-03-26. Review status: criteria provided, single submitter. Criteria: Invitae Variant Classification Sherloc (09022015). Collection method: clinical testing. Allele origin: germline.
Comment: For these reasons, this variant has been classified as Pathogenic. ClinVar contains an entry for this variant (Variation ID: 1389880). This premature translational stop signal has been observed in individual(s) with clinical features of FBN1-related disease (PMID: 12068374). It has also been observed to segregate with disease in related individuals. This variant is not present in population databases (gnomAD no frequency). This sequence change creates a premature translational stop signal (p.Gln2141Hisfs*19) in the FBN1 gene. It is expected to result in an absent or disrupted protein product. Loss-of-function variants in FBN1 are known to be pathogenic (PMID: 17657824, 19293843).

Literature cited by the submitters: PubMed 12068374; PubMed 17657824; PubMed 19293843.